The following is an entry in ClinVar:

NM_019594.4(LRRC8A):c.1418A>T (p.Glu473Val)

Gene: LRRC8A (leucine rich repeat containing 8 VRAC subunit A; plus strand). Cytogenetic location: 9q34.11.
Variant type: single nucleotide variant.
Coding change: c.1418A>T on transcript NM_019594.4 (MANE Select); coding-DNA position 1418, A replaced by T.
Protein change: p.Glu473Val; replaces glutamic acid 473 with valine.
Molecular consequence: missense variant.
Genome position (GRCh38, 1-based): chr9:128,908,582, A>T. VCF-style: chr9-128908582-A-T. GRCh37 (hg19) VCF-style: chr9-131670861-A-T.
Other names: c.1418A>T, p.Glu473Val (NM_001127244.2, NM_001127245.2); short protein forms E473V.
Identifiers: ClinVar variation 3027267 (VCV003027267.22), dbSNP rs2491876949, ClinGen allele CA375081217.

ClinVar aggregate classification (germline): Uncertain significance (1 of 4 stars; one submission).

Submission:

CeGaT Center for Human Genetics Tuebingen
Classification: Uncertain significance. Last evaluated: 2024-02-01. Review status: criteria provided, single submitter. Criteria: CeGaT Center For Human Genetics Tuebingen Variant Classification Criteria Version 2. Collection method: clinical testing. Allele origin: germline. Affected: yes. Observed: 1 variant allele.
Comment: LRRC8A: PM2